The following is an entry in ClinVar:

NM_014423.4(AFF4):c.529C>T (p.Arg177Cys)

Gene: AFF4 (ALF transcription elongation factor 4; minus strand). Cytogenetic location: 5q31.1.
Variant type: single nucleotide variant.
Coding change: c.529C>T on transcript NM_014423.4 (MANE Select); coding-DNA position 529, C replaced by T.
Protein change: p.Arg177Cys; replaces arginine 177 with cysteine.
Molecular consequence: missense variant.
Genome position (GRCh38, 1-based): chr5:132,934,536, G>A on the plus strand (C>T on the coding strand, the complement: AFF4 is on the minus strand). VCF-style: chr5-132934536-G-A. GRCh37 (hg19) VCF-style: chr5-132270228-G-A.
Other names: short protein forms R177C.
Identifiers: ClinVar variation 1953173 (VCV001953173.31), dbSNP rs796481281, ClinGen allele CA3409414.

ClinVar aggregate classification (germline): Conflicting classifications of pathogenicity. Review status: criteria provided, conflicting classifications (1 of 4 stars). 4 submissions from 4 submitters: Uncertain significance (2); Likely benign (1). 1 of the submissions does not count toward it. Last evaluated 2025-10-18.

Conditions:
Inborn genetic diseases. Identifiers: MedGen C0950123, MeSH D030342.
Cognitive impairment - coarse facies - heart defects - obesity - pulmonary involvement - short stature - skeletal dysplasia syndrome. Also called: AFF4-Related CHOPS Syndrome; COGNITIVE IMPAIRMENT, COARSE FACIES, HEART DEFECTS, OBESITY, PULMONARY INVOLVEMENT, SHORT STATURE, AND SKELETAL DYSPLASIA; Chops syndrome. Identifiers: Orphanet 444077, MedGen C4085597, MONDO:0014609, OMIM 616368.
AFF4-related disorder. Also called: AFF4-related condition.

Allele frequency attached by ClinVar (database versions not stated): gnomAD exomes 0.00003; gnomAD 0.00007; ExAC 0.00010; TOPMed 0.00011.
gnomAD v4.1: 52 of 1,614,008 alleles (0.0032%); highest among the groups gnomAD compares: Admixed American, 0.048%; no homozygotes.

Submissions (4):

Labcorp Genetics (formerly Invitae), Labcorp
Classification: Uncertain significance for Cognitive impairment - coarse facies - heart defects - obesity - pulmonary involvement - short stature - skeletal dysplasia syndrome. Last evaluated: 2025-10-18. Review status: criteria provided, single submitter. Criteria: Invitae Variant Classification Sherloc (09022015). Collection method: clinical testing. Allele origin: germline.
Comment: This sequence change replaces arginine, which is basic and polar, with cysteine, which is neutral and slightly polar, at codon 177 of the AFF4 protein (p.Arg177Cys). This variant is present in population databases (rs796481281, gnomAD 0.04%), and has an allele count higher than expected for a pathogenic variant. This variant has not been reported in the literature in individuals affected with AFF4-related conditions. ClinVar contains an entry for this variant (Variation ID: 1953173). An algorithm developed to predict the effect of missense changes on protein structure and function (PolyPhen-2) suggests that this variant is likely to be disruptive. In summary, the available evidence is currently insufficient to determine the role of this variant in disease. Therefore, it has been classified as a Variant of Uncertain Significance.

CeGaT Center for Human Genetics Tuebingen
Classification: Likely benign. Last evaluated: 2023-04-01. Review status: criteria provided, single submitter. Criteria: CeGaT Center For Human Genetics Tuebingen Variant Classification Criteria Version 2. Collection method: clinical testing. Allele origin: germline. Affected: yes. Observed: 2 variant alleles.
Comment: AFF4: BP4, BS2

Ambry Genetics
Classification: Uncertain significance for Inborn genetic diseases. Last evaluated: 2021-05-10. Review status: criteria provided, single submitter. Criteria: Ambry Variant Classification Scheme 2023. Collection method: clinical testing. Allele origin: germline.

PreventionGenetics, part of Exact Sciences
Classification: Uncertain significance for AFF4-related condition. Last evaluated: 2024-06-10. Review status: no assertion criteria provided. Collection method: clinical testing. Allele origin: germline. Not counted in ClinVar's aggregate classification.
Comment: The AFF4 c.529C>T variant is predicted to result in the amino acid substitution p.Arg177Cys. To our knowledge, this variant has not been reported in the literature. This variant is reported in 0.049% of alleles in individuals of Latino descent in gnomAD, which may be too common to be an undocumented pathogenic variant. Although we suspect that this variant may be benign, at this time, the clinical significance of this variant is uncertain due to the absence of conclusive functional and genetic evidence.